The following is an entry in ClinVar:

NM_001384140.1(PCDH15):c.938T>A (p.Ile313Asn)

Gene: PCDH15 (protocadherin related 15; minus strand). Cytogenetic location: 10q21.1.
Variant type: single nucleotide variant.
Coding change: c.938T>A on transcript NM_001384140.1 (MANE Select); coding-DNA position 938, T replaced by A.
Protein change: p.Ile313Asn; replaces isoleucine 313 with asparagine.
Molecular consequence: missense variant.
Genome position (GRCh38, 1-based): chr10:54,236,870, A>T on the plus strand (T>A on the coding strand, the complement: PCDH15 is on the minus strand). VCF-style: chr10-54236870-A-T. GRCh37 (hg19) VCF-style: chr10-55996630-A-T.
Other names: c.953T>A, p.Ile318Asn (NM_001142763.2, NM_001142769.4, NM_001142771.2); c.938T>A, p.Ile313Asn (NM_001142764.2, NM_001142765.2, NM_001142766.2 and 7 more transcripts); c.827T>A, p.Ile276Asn (NM_001142767.2); c.872T>A, p.Ile291Asn (NM_001142768.2, NM_001142773.2, NM_001354404.2); short protein forms I276N, I291N, I318N, I313N.
Identifiers: ClinVar variation 941862 (VCV000941862.9), dbSNP rs2054677858, ClinGen allele CA376527960.

ClinVar aggregate classification (germline): Uncertain significance (1 of 4 stars; one submission).

Submission:

Labcorp Genetics (formerly Invitae), Labcorp
Classification: Uncertain significance. Last evaluated: 2019-07-04. Review status: criteria provided, single submitter. Criteria: Invitae Variant Classification Sherloc (09022015). Collection method: clinical testing. Allele origin: germline.
Comment: Algorithms developed to predict the effect of missense changes on protein structure and function are either unavailable or do not agree on the potential impact of this missense change (SIFT: "Tolerated"; PolyPhen-2: "Probably Damaging"; Align-GVGD: "Class C0"). This sequence change replaces isoleucine with asparagine at codon 313 of the PCDH15 protein (p.Ile313Asn). The isoleucine residue is highly conserved and there is a large physicochemical difference between isoleucine and asparagine. This variant is not present in population databases (ExAC no frequency). This variant has not been reported in the literature in individuals with PCDH15-related conditions. In summary, the available evidence is currently insufficient to determine the role of this variant in disease. Therefore, it has been classified as a Variant of Uncertain Significance.